The following is an entry in ClinVar:

ClinVar aggregate classification (germline): Benign. Review status: criteria provided, multiple submitters, no conflicts (2 of 4 stars). 2 submissions from 2 submitters: Benign (2). Last evaluated 2018-06-15.

Allele frequency attached by ClinVar (database versions not stated): TOPMed 0.85904; gnomAD 0.86414; 1000 Genomes Project 30x 0.86883; 1000 Genomes Project 0.87240.
gnomAD v4.1: 955,345 of 1,151,606 alleles (83%); highest among the groups gnomAD compares: East Asian, 95%; 397,733 homozygotes.

Submissions (2):

GeneDx
Classification: Benign. Last evaluated: 2018-06-15. Review status: criteria provided, single submitter. Criteria: GeneDx Variant Classification (06012015). Collection method: clinical testing. Allele origin: germline. Affected: yes.
Comment: This variant is considered likely benign or benign based on one or more of the following criteria: it is a conservative change, it occurs at a poorly conserved position in the protein, it is predicted to be benign by multiple in silico algorithms, and/or has population frequency not consistent with disease.

Breakthrough Genomics
Classification: Benign. Review status: criteria provided, single submitter. Criteria: ACMG Guidelines, 2015. Collection method: not provided. Allele origin: germline. Inheritance: Autosomal recessive inheritance. Affected: yes.

NM_020778.5(ALPK3):c.4500-109A>C

Gene: ALPK3 (alpha kinase 3; plus strand). Cytogenetic location: 15q25.3.
Variant type: single nucleotide variant.
Coding change: c.4500-109A>C on transcript NM_020778.5 (MANE Select); 109 bases into the intron before coding-DNA position 4500, A replaced by C.
Molecular consequence: intron variant.
Genome position (GRCh38, 1-based): chr15:84,864,333, A>C. VCF-style: chr15-84864333-A-C. GRCh37 (hg19) VCF-style: chr15-85407564-A-C.
Identifiers: ClinVar variation 678088 (VCV000678088.2), dbSNP rs2289138, ClinGen allele CA14109044.